The following is an entry in ClinVar:

ClinVar aggregate classification (germline): Uncertain significance (1 of 4 stars; one submission).

Conditions:
Hereditary cancer-predisposing syndrome. Also called: Hereditary neoplastic syndrome; Neoplastic Syndromes, Hereditary; Tumor predisposition; Hereditary Cancer Syndrome. Identifiers: Orphanet 140162, MedGen C0027672, MeSH D009386, MONDO:0015356.

Submission:

Ambry Genetics
Classification: Uncertain significance for Hereditary cancer-predisposing syndrome. Last evaluated: 2020-10-03. Review status: criteria provided, single submitter. Criteria: Ambry Variant Classification Scheme 2023. Collection method: clinical testing. Allele origin: germline.
Comment: The p.L2132R variant (also known as c.6395T>G), located in coding exon 43 of the ATM gene, results from a T to G substitution at nucleotide position 6395. The leucine at codon 2132 is replaced by arginine, an amino acid with dissimilar properties. This amino acid position is highly conserved in available vertebrate species. In addition, this alteration is predicted to be deleterious by in silico analysis. Since supporting evidence is limited at this time, the clinical significance of this alteration remains unclear.

NM_000051.4(ATM):c.6395T>G (p.Leu2132Arg)

Genes: ATM (ATM serine/threonine kinase; plus strand), C11orf65 (chromosome 11 open reading frame 65; minus strand). Cytogenetic location: 11q22.3.
Variant type: single nucleotide variant.
Coding change: c.6395T>G on transcript NM_000051.4 (MANE Select); coding-DNA position 6395, T replaced by G.
Protein change: p.Leu2132Arg; replaces leucine 2132 with arginine.
Molecular consequence: missense variant. On other transcripts: intron variant (2).
Genome position (GRCh38, 1-based): chr11:108,320,001, T>G. VCF-style: chr11-108320001-T-G. GRCh37 (hg19) VCF-style: chr11-108190728-T-G.
Other names: c.641-10930A>C (NM_001330368.2); c.*39-10930A>C (NM_001351110.2); c.6395T>G, p.Leu2132Arg (NM_001351834.2); short protein forms L2132R.
Identifiers: ClinVar variation 1753255 (VCV001753255.2), dbSNP rs2136220445, ClinGen allele CA382553355.